The following is an entry in ClinVar:

ClinVar aggregate classification (germline): Uncertain significance. Review status: criteria provided, multiple submitters, no conflicts (2 of 4 stars). 2 submissions from 2 submitters: Uncertain significance (2). Last evaluated 2022-01-19.

Conditions:
Alstrom syndrome (ALMS). Identifiers: Orphanet 64, MedGen C0268425, MONDO:0008763, OMIM 203800.
Cardiovascular phenotype. Identifiers: MedGen CN230736.

Allele frequency attached by ClinVar (database versions not stated): ExAC 0.00001; gnomAD 0.00001; gnomAD exomes 0.00002.
gnomAD v4.1: 15 of 1,613,956 alleles (0.00093%); highest among the groups gnomAD compares: South Asian, 0.016%; no homozygotes.

Submissions (2):

Labcorp Genetics (formerly Invitae), Labcorp
Classification: Uncertain significance for Alstrom syndrome. Last evaluated: 2022-01-19. Review status: criteria provided, single submitter. Criteria: Invitae Variant Classification Sherloc (09022015). Collection method: clinical testing. Allele origin: germline.
Comment: This sequence change replaces leucine, which is neutral and non-polar, with serine, which is neutral and polar, at codon 2522 of the ALMS1 protein (p.Leu2522Ser). This variant is present in population databases (rs776090716, gnomAD 0.01%). This variant has not been reported in the literature in individuals affected with ALMS1-related conditions. Experimental studies and prediction algorithms are not available or were not evaluated, and the functional significance of this variant is currently unknown. In summary, the available evidence is currently insufficient to determine the role of this variant in disease. Therefore, it has been classified as a Variant of Uncertain Significance.

Ambry Genetics
Classification: Uncertain significance for Cardiovascular phenotype. Last evaluated: 2020-01-02. Review status: criteria provided, single submitter. Criteria: Ambry Variant Classification Scheme 2023. Collection method: clinical testing. Allele origin: germline.
Comment: The p.L2522S variant (also known as c.7565T>C), located in coding exon 9 of the ALMS1 gene, results from a T to C substitution at nucleotide position 7565. The leucine at codon 2522 is replaced by serine, an amino acid with dissimilar properties. This amino acid position is well conserved in available vertebrate species. In addition, this alteration is predicted to be deleterious by in silico analysis. Since supporting evidence is limited at this time, the clinical significance of this alteration remains unclear.

NM_001378454.1(ALMS1):c.7562T>C (p.Leu2521Ser)

Gene: ALMS1 (ALMS1 centrosome and basal body associated protein; plus strand). Cytogenetic location: 2p13.1.
Variant type: single nucleotide variant.
Coding change: c.7562T>C on transcript NM_001378454.1 (MANE Select); coding-DNA position 7562, T replaced by C.
Protein change: p.Leu2521Ser; replaces leucine 2521 with serine.
Molecular consequence: missense variant.
Genome position (GRCh38, 1-based): chr2:73,455,183, T>C. VCF-style: chr2-73455183-T-C. GRCh37 (hg19) VCF-style: chr2-73682310-T-C.
Other names: c.7565T>C, p.Leu2522Ser (NM_015120.4); short protein forms L2522S, L2521S.
Identifiers: ClinVar variation 1759542 (VCV001759542.4), dbSNP rs776090716, ClinGen allele CA1714275.